The following is an entry in ClinVar:

ClinVar aggregate classification (germline): Uncertain significance (1 of 4 stars; one submission).

Conditions:
46,XY sex reversal 9 (SRXY9). Also called: 46,XY SEX REVERSAL, ZFPM2-RELATED. Identifiers: Orphanet 251510, MedGen C4015129, MONDO:0014480, OMIM 616067.

Allele frequency attached by ClinVar (database versions not stated): ExAC 0.00001; gnomAD 0.00001; gnomAD exomes 0.00001.
gnomAD v4.1: 11 of 1,613,892 alleles (0.00068%); highest among the groups gnomAD compares: South Asian, 0.012%; no homozygotes.

Submission:

Labcorp Genetics (formerly Invitae), Labcorp
Classification: Uncertain significance for 46,XY sex reversal 9. Last evaluated: 2022-05-27. Review status: criteria provided, single submitter. Criteria: Invitae Variant Classification Sherloc (09022015). Collection method: clinical testing. Allele origin: germline.
Comment: This sequence change replaces glutamine, which is neutral and polar, with arginine, which is basic and polar, at codon 576 of the ZFPM2 protein (p.Gln576Arg). This variant is present in population databases (rs761315189, gnomAD 0.01%). This variant has not been reported in the literature in individuals affected with ZFPM2-related conditions. Algorithms developed to predict the effect of missense changes on protein structure and function are either unavailable or do not agree on the potential impact of this missense change (SIFT: "Tolerated"; PolyPhen-2: "Possibly Damaging"; Align-GVGD: "Class C0"). In summary, the available evidence is currently insufficient to determine the role of this variant in disease. Therefore, it has been classified as a Variant of Uncertain Significance.

NM_012082.4(ZFPM2):c.1727A>G (p.Gln576Arg)

Genes: ZFPM2 (zinc finger protein, FOG family member 2; plus strand), ZFPM2-AS1 (ZFPM2 antisense RNA 1; minus strand). Cytogenetic location: 8q23.1.
Variant type: single nucleotide variant.
Coding change: c.1727A>G on transcript NM_012082.4 (MANE Select); coding-DNA position 1727, A replaced by G.
Protein change: p.Gln576Arg; replaces glutamine 576 with arginine.
Molecular consequence: missense variant.
Genome position (GRCh38, 1-based): chr8:105,801,809, A>G. VCF-style: chr8-105801809-A-G. GRCh37 (hg19) VCF-style: chr8-106814037-A-G.
Other names: c.1568A>G, p.Gln523Arg (NM_001362836.2); c.1331A>G, p.Gln444Arg (NM_001362837.2); short protein forms Q576R, Q444R, Q523R.
Identifiers: ClinVar variation 2120105 (VCV002120105.4), dbSNP rs761315189, ClinGen allele CA4839796.
Genomic context (GRCh38, chr8:105,801,809, plus strand): 5'-CATTCAATAATTTGGATAATTATCTAGTGCACAAAAAGCATTATTGCAGCAGCCGATGGC[A>G]GCAGATGGCTAAGTCCCCAGAGTTCCCTAGTGTGTCAGAAAAGATGCCTGAAGCTTTGAG-3'
Protein context (NP_036214.2, residues 566-586): HKKHYCSSRW[Gln576Arg]QMAKSPEFPS